The following is an entry in ClinVar:

NM_015559.3(SETBP1):c.3875A>T (p.Asp1292Val)

Gene: SETBP1 (SET binding protein 1; plus strand). Cytogenetic location: 18q12.3.
Variant type: single nucleotide variant.
Coding change: c.3875A>T on transcript NM_015559.3 (MANE Select); coding-DNA position 3875, A replaced by T.
Protein change: p.Asp1292Val; replaces aspartic acid 1292 with valine.
Molecular consequence: missense variant.
Genome position (GRCh38, 1-based): chr18:44,953,215, A>T. VCF-style: chr18-44953215-A-T. GRCh37 (hg19) VCF-style: chr18-42533180-A-T.
Other names: c.3875A>T, p.Asp1292Val (NM_001379141.1, NM_001379142.1); short protein forms D1292V.
Identifiers: ClinVar variation 1403764 (VCV001403764.6), dbSNP rs2145116254, ClinGen allele CA402325380.

ClinVar aggregate classification (germline): Uncertain significance (1 of 4 stars; one submission).

Submission:

Labcorp Genetics (formerly Invitae), Labcorp
Classification: Uncertain significance. Last evaluated: 2022-03-18. Review status: criteria provided, single submitter. Criteria: Invitae Variant Classification Sherloc (09022015). Collection method: clinical testing. Allele origin: germline.
Comment: This sequence change replaces aspartic acid, which is acidic and polar, with valine, which is neutral and non-polar, at codon 1292 of the SETBP1 protein (p.Asp1292Val). This variant is not present in population databases (gnomAD no frequency). This variant has not been reported in the literature in individuals affected with SETBP1-related conditions. Algorithms developed to predict the effect of missense changes on protein structure and function are either unavailable or do not agree on the potential impact of this missense change (SIFT: "Deleterious"; PolyPhen-2: "Possibly Damaging"; Align-GVGD: "Class C15"). Algorithms developed to predict the effect of sequence changes on RNA splicing suggest that this variant may create or strengthen a splice site. In summary, the available evidence is currently insufficient to determine the role of this variant in disease. Therefore, it has been classified as a Variant of Uncertain Significance.